The following is an entry in ClinVar:

NM_000157.4(GBA1):c.720C>G (p.Pro240=)

Genes: GBA1 (glucosylceramidase beta 1; minus strand), LOC106627981 (GBA recombination region; plus strand). Cytogenetic location: 1q22.
Variant type: single nucleotide variant.
Coding change: c.720C>G on transcript NM_000157.4 (MANE Select); coding-DNA position 720, C replaced by G.
Protein change: p.Pro240=; no amino-acid change (proline 240 retained).
Molecular consequence: synonymous variant.
Genome position (GRCh38, 1-based): chr1:155,238,175, G>C on the plus strand (C>G on the coding strand, the complement: GBA1 is on the minus strand). VCF-style: chr1-155238175-G-C. GRCh37 (hg19) VCF-style: chr1-155207966-G-C.
Other names: c.459C>G, p.Pro153= (NM_001171811.2); c.573C>G, p.Pro191= (NM_001171812.2); c.720C>G, p.Pro240= (NM_001005741.3, NM_001005742.3).
Identifiers: ClinVar variation 2570735 (VCV002570735.27), dbSNP rs376613535, ClinGen allele CA421025581.

ClinVar aggregate classification (germline): Likely benign (1 of 4 stars; one submission).

gnomAD v4.1: 1 of 1,614,148 alleles (0.000062%); highest among the groups gnomAD compares: South Asian, 0.0011%; no homozygotes.

Submission:

CeGaT Center for Human Genetics Tuebingen
Classification: Likely benign. Last evaluated: 2023-06-01. Review status: criteria provided, single submitter. Criteria: CeGaT Center For Human Genetics Tuebingen Variant Classification Criteria Version 2. Collection method: clinical testing. Allele origin: germline. Affected: yes. Observed: 1 variant allele.
Comment: GBA1: PM2:Supporting, BP4, BP7